The following is an entry in ClinVar:

NM_025137.4(SPG11):c.4273A>T (p.Asn1425Tyr)

Genes: SPG11 (SPG11 vesicle trafficking associated, spatacsin; minus strand), LOC130056973 (ATAC-STARR-seq lymphoblastoid active region 9341; plus strand). Cytogenetic location: 15q21.1.
Variant type: single nucleotide variant.
Coding change: c.4273A>T on transcript NM_025137.4 (MANE Select); coding-DNA position 4273, A replaced by T.
Protein change: p.Asn1425Tyr; replaces asparagine 1425 with tyrosine.
Molecular consequence: missense variant.
Genome position (GRCh38, 1-based): chr15:44,596,244, T>A on the plus strand (A>T on the coding strand, the complement: SPG11 is on the minus strand). VCF-style: chr15-44596244-T-A. GRCh37 (hg19) VCF-style: chr15-44888442-T-A.
Other names: p.Asn1425Tyr; c.4273A>T, p.Asn1425Tyr (NM_001160227.2, NM_001411132.1); short protein forms N1425Y.
Identifiers: ClinVar variation 3380276 (VCV003380276.1).

ClinVar aggregate classification (germline): Uncertain significance (1 of 4 stars; one submission).

gnomAD v4.1: 5 of 1,614,176 alleles (0.00031%); highest among the groups gnomAD compares: Non-Finnish European, 0.00034%; no homozygotes.

Submission:

Mayo Clinic Laboratories, Mayo Clinic
Classification: Uncertain significance. Last evaluated: 2024-03-08. Review status: criteria provided, single submitter. Criteria: ACMG Guidelines, 2015. Collection method: clinical testing. Allele origin: germline. Observed: 1 variant allele.
Comment: BP4, PM2